The following is an entry in ClinVar:

NM_015378.4(VPS13D):c.11548G>C (p.Val3850Leu)

Gene: VPS13D (vacuolar protein sorting 13 homolog D; plus strand). Cytogenetic location: 1p36.22.
Variant type: single nucleotide variant.
Coding change: c.11548G>C on transcript NM_015378.4 (MANE Select); coding-DNA position 11548, G replaced by C.
Protein change: p.Val3850Leu; replaces valine 3850 with leucine.
Molecular consequence: missense variant.
Genome position (GRCh38, 1-based): chr1:12,386,248, G>C. VCF-style: chr1-12386248-G-C. GRCh37 (hg19) VCF-style: chr1-12446307-G-C.
Other names: c.11473G>C, p.Val3825Leu (NM_018156.4); short protein forms V3825L, V3850L.
Identifiers: ClinVar variation 1481773 (VCV001481773.5), dbSNP rs779572060, ClinGen allele CA603965.

ClinVar aggregate classification (germline): Uncertain significance (1 of 4 stars; one submission).

Allele frequency attached by ClinVar (database versions not stated): gnomAD 0.00001; TOPMed 0.00001.
gnomAD v4.1: 10 of 1,613,660 alleles (0.00062%); highest among the groups gnomAD compares: Non-Finnish European, 0.00076%; no homozygotes.

Submission:

Labcorp Genetics (formerly Invitae), Labcorp
Classification: Uncertain significance. Last evaluated: 2025-12-02. Review status: criteria provided, single submitter. Criteria: Invitae Variant Classification Sherloc (09022015). Collection method: clinical testing. Allele origin: germline.
Comment: This sequence change replaces valine, which is neutral and non-polar, with leucine, which is neutral and non-polar, at codon 3850 of the VPS13D protein (p.Val3850Leu). This variant is present in population databases (rs779572060, gnomAD 0.004%). This variant has not been reported in the literature in individuals affected with VPS13D-related conditions. ClinVar contains an entry for this variant (Variation ID: 1481773). Invitae Evidence Modeling of protein sequence and biophysical properties (such as structural, functional, and spatial information, amino acid conservation, physicochemical variation, residue mobility, and thermodynamic stability) has been performed for this missense variant. However, the output from this modeling did not meet the statistical confidence thresholds required to predict the impact of this variant on VPS13D protein function. In summary, the available evidence is currently insufficient to determine the role of this variant in disease. Therefore, it has been classified as a Variant of Uncertain Significance.